The following is an entry in ClinVar:

NM_006269.2(RP1):c.5962dup (p.Ile1988fs)

Genes: RP1 (RP1 axonemal microtubule associated; plus strand), LOC126860392 (CDK7 strongly-dependent group 2 enhancer GRCh37_chr8:55541319-55542518; plus strand). Cytogenetic location: 8q12.1.
Variant type: Duplication.
Coding change: c.5962dup on transcript NM_006269.2 (MANE Select); coding-DNA position 5962, one base duplicated (A; older notation c.5962dupA).
Protein change: p.Ile1988fs; shifts the reading frame from isoleucine 1988.
Molecular consequence: frameshift variant.
Genome position (GRCh38, 1-based): chr8:54,629,844, A duplicated. VCF-style (leftmost placement, unchanged base first): chr8-54629843-T-TA. GRCh37 (hg19) VCF-style: chr8-55542403-T-TA.
Other names: c.5962dupA (NM_006269.1); short protein forms I1988fs.
Identifiers: ClinVar variation 523946 (VCV000523946.13), dbSNP rs769512989, ClinGen allele CA4752156.
Genomic context (GRCh38, chr8:54,629,843, plus strand): 5'-CAGGGAAGAGAACAATAAAGCAAGTATGAGACAAAATCTTATTGATAATGCCATTGGTGA[T>TA]ATATTTGATCAGTTTTATTTCAGTAACACATTTGACTTGATGGGTAAAAGAAGAAAACAA-3'

ClinVar aggregate classification (germline): Pathogenic/Likely pathogenic. Review status: criteria provided, multiple submitters, no conflicts (2 of 4 stars). 4 submissions from 4 submitters: Pathogenic (3); Likely pathogenic (1). Last evaluated 2023-09-11.

Conditions:
RP1-related disorder. Also called: RP1-related condition.
Retinitis pigmentosa (RP). Identifiers: Orphanet 791, MedGen C0035334, MeSH D012174, MONDO:0019200, OMIM 268000. Inheritance: Autosomal dominant, autosomal recessive and X linked inheritance.

Allele frequency attached by ClinVar (database versions not stated): gnomAD exomes 0.00001 and 0.00002; TOPMed 0.00001; ExAC 0.00003.

Submissions (4):

Labcorp Genetics (formerly Invitae), Labcorp
Classification: Pathogenic. Last evaluated: 2023-09-11. Review status: criteria provided, single submitter. Criteria: Invitae Variant Classification Sherloc (09022015). Collection method: clinical testing. Allele origin: germline.
Comment: For these reasons, this variant has been classified as Pathogenic. This variant disrupts the C-terminus of the RP1 protein. Many variants that disrupt this region have been reported in individuals with either autosomal dominant or autosomal recessive retinitis pigmentosa (PMID: 11527933, 19933189, 29425069, 30027431, 33681214). Therefore, variants that disrupt this region are expected to be disease-causing. This sequence change creates a premature translational stop signal (p.Ile1988Asnfs*3) in the RP1 gene. While this is not anticipated to result in nonsense mediated decay, it is expected to disrupt the last 169 amino acid(s) of the RP1 protein. This variant is present in population databases (rs769512989, gnomAD 0.004%). This premature translational stop signal has been observed in individuals with autosomal recessive retinitis pigmentosa (PMID: 25494902). It has also been observed to segregate with disease in related individuals. ClinVar contains an entry for this variant (Variation ID: 523946).

Broad Center for Mendelian Genomics, Broad Institute of MIT and Harvard
Classification: Pathogenic for Retinitis pigmentosa. Last evaluated: 2021-04-01. Review status: criteria provided, single submitter. Criteria: ACMG Guidelines, 2015. Collection method: curation. Allele origin: germline. Inheritance: Autosomal recessive inheritance. Affected: yes.
Comment: Through a review of available evidence we were able to apply the following criteria: PVS1, PM2, PP1. Based on this evidence we have classified this variant as Pathogenic. If you have any questions about the classification please reach out to the Pierce Lab.

Blueprint Genetics
Classification: Pathogenic for RP1-related disorders. Last evaluated: 2021-02-24. Review status: criteria provided, single submitter. Criteria: ACMG Guidelines, 2015. Collection method: clinical testing. Allele origin: germline. Affected: yes. Observed: 3 variant alleles.

GeneDx
Classification: Likely pathogenic. Last evaluated: 2018-03-28. Review status: criteria provided, single submitter. Criteria: GeneDx Variant Classification (06012015). Collection method: clinical testing. Allele origin: germline. Affected: yes.
Comment: The c.5962dupA variant in the RP1 gene has been reported previously in either homozygous state or on the opposite allele (in trans) with another RP1 frameshift variant in two families with retinitis pigmentosa (Mendez-Vidal et al., 2014). The c.5962dupA variant causes a frameshift starting with codon Isoleucine 1988, changes this amino acid to a Asparagine residue, and creates a premature Stop codon at position 3 of the new reading frame, denoted p.Ile1988AsnfsX3. This variant is predicted to cause loss of normal protein function through protein truncation. The c.5962dupA variant is not observed in large population cohorts (Lek et al., 2016). We interpret c.5962dupA as a likely pathogenic variant.

Literature cited by the submitters: PubMed 11527933 (cited by Labcorp Genetics (formerly Invitae), Labcorp); PubMed 19933189 (cited by Labcorp Genetics (formerly Invitae), Labcorp); PubMed 29425069 (cited by Labcorp Genetics (formerly Invitae), Labcorp); PubMed 30027431 (cited by Labcorp Genetics (formerly Invitae), Labcorp); PubMed 33681214 (cited by Labcorp Genetics (formerly Invitae), Labcorp); PubMed 25494902 (cited by Labcorp Genetics (formerly Invitae), Labcorp and Broad Center for Mendelian Genomics, Broad Institute of MIT and Harvard); PubMed 34906470 (cited by Broad Center for Mendelian Genomics, Broad Institute of MIT and Harvard).